The following is an entry in ClinVar:

NM_006017.3(PROM1):c.999G>A (p.Arg333=)

Gene: PROM1 (prominin 1; minus strand). Cytogenetic location: 4p15.32.
Variant type: single nucleotide variant.
Coding change: c.999G>A on transcript NM_006017.3 (MANE Select); coding-DNA position 999, G replaced by A.
Protein change: p.Arg333=; no amino-acid change (arginine 333 retained).
Molecular consequence: synonymous variant.
Genome position (GRCh38, 1-based): chr4:16,018,326, C>T on the plus strand (G>A on the coding strand, the complement: PROM1 is on the minus strand). VCF-style: chr4-16018326-C-T. GRCh37 (hg19) VCF-style: chr4-16019949-C-T.
Other names: c.972G>A, p.Arg324= (NM_001145847.2, NM_001145848.2, NM_001145851.2 and 4 more transcripts); c.999G>A, p.Arg333= (NM_001145849.2, NM_001145850.2).
Identifiers: ClinVar variation 736275 (VCV000736275.4), dbSNP rs748015445, ClinGen allele CA2866905.

ClinVar aggregate classification (germline): Likely benign. Review status: criteria provided, multiple submitters, no conflicts (2 of 4 stars). 2 submissions from 2 submitters: Likely benign (2). Last evaluated 2025-12-28.

Conditions:
PROM1-related disorder. Also called: PROM1-related disorders; PROM1-related condition.

Allele frequency attached by ClinVar (database versions not stated): gnomAD exomes below 0.00001; ExAC 0.00001; gnomAD 0.00001; TOPMed 0.00002.
gnomAD v4.1: 3 of 1,612,688 alleles (0.00019%); highest among the groups gnomAD compares: African/African-American, 0.004%; no homozygotes.

Submissions (2):

PreventionGenetics, part of Exact Sciences
Classification: Likely benign for PROM1-related condition. Last evaluated: 2025-12-28. Review status: criteria provided, single submitter. Criteria: ACMG Guidelines, 2015. Collection method: clinical testing. Allele origin: germline.
Comment: This variant is classified as likely benign based on ACMG/AMP sequence variant interpretation guidelines (Richards et al. 2015 PMID: 25741868, with internal and published modifications).

Labcorp Genetics (formerly Invitae), Labcorp
Classification: Likely benign. Last evaluated: 2018-03-29. Review status: criteria provided, single submitter. Criteria: Invitae Variant Classification Sherloc (09022015). Collection method: clinical testing. Allele origin: germline.